The following is an entry in ClinVar:

ClinVar aggregate classification (germline): Uncertain significance (1 of 4 stars; one submission).

Allele frequency attached by ClinVar (database versions not stated): gnomAD exomes below 0.00001; TOPMed below 0.00001; ExAC 0.00001.
gnomAD v4.1: 5 of 1,608,842 alleles (0.00031%); highest among the groups gnomAD compares: Non-Finnish European, 0.00042%; no homozygotes.

Submission:

Labcorp Genetics (formerly Invitae), Labcorp
Classification: Uncertain significance. Last evaluated: 2022-01-17. Review status: criteria provided, single submitter. Criteria: Invitae Variant Classification Sherloc (09022015). Collection method: clinical testing. Allele origin: germline.
Comment: In summary, the available evidence is currently insufficient to determine the role of this variant in disease. Therefore, it has been classified as a Variant of Uncertain Significance. Algorithms developed to predict the effect of missense changes on protein structure and function (SIFT, PolyPhen-2, Align-GVGD) all suggest that this variant is likely to be tolerated. This variant has not been reported in the literature in individuals affected with EIF2AK3-related conditions. This variant is present in population databases (rs758371991, gnomAD 0.001%). This sequence change replaces arginine, which is basic and polar, with histidine, which is basic and polar, at codon 101 of the EIF2AK3 protein (p.Arg101His).

NM_004836.7(EIF2AK3):c.302G>A (p.Arg101His)

Gene: EIF2AK3 (eukaryotic translation initiation factor 2 alpha kinase 3; minus strand). Cytogenetic location: 2p11.2.
Variant type: single nucleotide variant.
Coding change: c.302G>A on transcript NM_004836.7 (MANE Select); coding-DNA position 302, G replaced by A.
Protein change: p.Arg101His; replaces arginine 101 with histidine.
Molecular consequence: missense variant.
Genome position (GRCh38, 1-based): chr2:88,626,973, C>T on the plus strand (G>A on the coding strand, the complement: EIF2AK3 is on the minus strand). VCF-style: chr2-88626973-C-T. GRCh37 (hg19) VCF-style: chr2-88926491-C-T.
Other names: short protein forms R101H.
Identifiers: ClinVar variation 2087155 (VCV002087155.4), dbSNP rs758371991, ClinGen allele CA1754978.
Genomic context (GRCh38, chr2:88,626,973, plus strand): 5'-TCCGCGGCTCGCGCGCGTAAACAAGTTGCCTCCCCCGGGTCGGCAGCCCCTCACCTGCCG[C>T]GCGGTCGCAACTCTGTCTCATCGTCTGGTTCCGGACCCCGAGGCTCCTGCTCTCCCGCGG-3'
Protein context (NP_004827.4, residues 91-111): EPDDETELRP[Arg101His]GRSLVIISTL